The following is an entry in ClinVar:

NM_003071.4(HLTF):c.1895G>A (p.Arg632His)

Gene: HLTF (helicase like transcription factor; minus strand). Cytogenetic location: 3q24.
Variant type: single nucleotide variant.
Coding change: c.1895G>A on transcript NM_003071.4 (MANE Select); coding-DNA position 1895, G replaced by A.
Protein change: p.Arg632His; replaces arginine 632 with histidine.
Molecular consequence: missense variant.
Genome position (GRCh38, 1-based): chr3:149,046,257, C>T on the plus strand (G>A on the coding strand, the complement: HLTF is on the minus strand). VCF-style: chr3-149046257-C-T. GRCh37 (hg19) VCF-style: chr3-148764044-C-T.
Other names: c.1892G>A, p.Arg631His (NM_001318934.2); c.1895G>A, p.Arg632His (NM_001318935.2, NM_139048.3); c.1895G>A (NM_001318935.1); short protein forms R631H, R632H.
Identifiers: ClinVar variation 3284439 (VCV003284439.2).

ClinVar aggregate classification (germline): Conflicting classifications of pathogenicity. Review status: criteria provided, conflicting classifications (1 of 4 stars). 2 submissions from 2 submitters: Uncertain significance (1); Likely benign (1). Last evaluated 2024-10-04.

Conditions:
HLTF-related disorder. Also called: HLTF-related condition.

gnomAD v4.1: 193 of 1,485,080 alleles (0.013%); highest among the groups gnomAD compares: East Asian, 0.37%; no homozygotes.

Submissions (2):

PreventionGenetics, part of Exact Sciences
Classification: Likely benign for HLTF-related condition. Last evaluated: 2024-10-04. Review status: criteria provided, single submitter. Criteria: ACMG Guidelines, 2015. Collection method: clinical testing. Allele origin: germline.
Comment: This variant is classified as likely benign based on ACMG/AMP sequence variant interpretation guidelines (Richards et al. 2015 PMID: 25741868, with internal and published modifications).

Ambry Genetics
Classification: Uncertain significance. Last evaluated: 2024-06-13. Review status: criteria provided, single submitter. Criteria: Ambry Variant Classification Scheme 2023. Collection method: clinical testing. Allele origin: germline.